The following is an entry in ClinVar:

ClinVar aggregate classification (germline): Uncertain significance. Review status: criteria provided, multiple submitters, no conflicts (2 of 4 stars). 2 submissions from 2 submitters: Uncertain significance (2). Last evaluated 2025-09-10.

Conditions:
Cardiovascular phenotype. Identifiers: MedGen CN230736.
Atrial septal defect 4 (ASD4). Identifiers: Orphanet 1478, MedGen C1969657, MONDO:0012654, OMIM 611363.

gnomAD v4.1: 2 of 1,614,062 alleles (0.00012%); highest among the groups gnomAD compares: Non-Finnish European, 0.000085%; no homozygotes.

Submissions (2):

Genomic Medicine Center of Excellence, King Faisal Specialist Hospital and Research Centre
Classification: Uncertain significance for Atrial septal defect 4. Last evaluated: 2025-09-10. Review status: criteria provided, single submitter. Criteria: ACMG Guidelines, 2015. Collection method: clinical testing. Allele origin: germline.

Ambry Genetics
Classification: Uncertain significance for Cardiovascular phenotype. Last evaluated: 2022-03-04. Review status: criteria provided, single submitter. Criteria: Ambry Variant Classification Scheme 2023. Collection method: clinical testing. Allele origin: germline.
Comment: The p.R311H variant (also known as c.932G>A), located in coding exon 7 of the TBX20 gene, results from a G to A substitution at nucleotide position 932. The arginine at codon 311 is replaced by histidine, an amino acid with highly similar properties. This amino acid position is conserved. In addition, this alteration is predicted to be deleterious by in silico analysis. Since supporting evidence is limited at this time, the clinical significance of this alteration remains unclear.

NM_001077653.2(TBX20):c.932G>A (p.Arg311His)

Gene: TBX20 (T-box transcription factor 20; minus strand). Cytogenetic location: 7p14.2.
Variant type: single nucleotide variant.
Coding change: c.932G>A on transcript NM_001077653.2 (MANE Select); coding-DNA position 932, G replaced by A.
Protein change: p.Arg311His; replaces arginine 311 with histidine.
Molecular consequence: missense variant.
Genome position (GRCh38, 1-based): chr7:35,204,541, C>T on the plus strand (G>A on the coding strand, the complement: TBX20 is on the minus strand). VCF-style: chr7-35204541-C-T. GRCh37 (hg19) VCF-style: chr7-35244153-C-T.
Other names: short protein forms R311H.
Identifiers: ClinVar variation 1766587 (VCV001766587.3), dbSNP rs113201899, ClinGen allele CA367263582.
Genomic context (GRCh38, chr7:35,204,541, plus strand): 5'-GTTGTCTGACTCTCATCCCCCAAGACATCTTCTTCTCCTCCGTAGGTACGGATGGGTGAG[C>T]GTGCATAGGAATGCTTTTGAATCAGGCTCTCCACACTTTCCCTAGGTTAGAGTGACATAT-3'
Protein context (NP_001071121.1, residues 301-321): ESLIQKHSYA[Arg311His]SPIRTYGGEE